The following is an entry in ClinVar:

NM_001040142.2(SCN2A):c.4447-7_4447-3del

Gene: SCN2A (sodium voltage-gated channel alpha subunit 2; plus strand). Cytogenetic location: 2q24.3.
Variant type: Deletion.
Coding change: c.4447-7_4447-3del on transcript NM_001040142.2 (MANE Select); 7 bases into the intron before coding-DNA position 4447 through 3 bases into the intron before coding-DNA position 4447, 5 bases deleted (TCTTT; older notation c.4447-7_4447-3delTCTTT).
Molecular consequence: intron variant.
Genome position (GRCh38, 1-based): chr2:165,381,086-165,381,090, TCTTT deleted; deleting any 5 consecutive bases within chr2:165,381,084-165,381,090 gives the same sequence; the c. name uses the placement nearest the transcript's 3' end. VCF-style (leftmost placement, unchanged base first): chr2-165381083-ATTTCT-A. GRCh37 (hg19) VCF-style: chr2-166237593-ATTTCT-A.
Other names: c.4447-7_4447-3del (NM_001040143.2, NM_001371246.1, NM_001371247.1 and 1 more transcripts).
Identifiers: ClinVar variation 862293 (VCV000862293.10), dbSNP rs1701578547, ClinGen allele CA916082219.

ClinVar aggregate classification (germline): Uncertain significance (1 of 4 stars; one submission).

Conditions:
Seizures, benign familial infantile, 3 (BFIS3). Also called: Familial neonatal seizures; CONVULSIONS, BENIGN FAMILIAL INFANTILE, 3. Identifiers: Orphanet 140927, Orphanet 306, MedGen C1843140, MONDO:0011904, OMIM 607745.
Developmental and epileptic encephalopathy, 11 (DEE11). Also called: Early infantile epileptic encephalopathy 11. Identifiers: Orphanet 1934, MedGen C3150987, MONDO:0013388, OMIM 613721.

Submission:

Labcorp Genetics (formerly Invitae), Labcorp
Classification: Uncertain significance for Seizures, benign familial infantile, 3; Developmental and epileptic encephalopathy, 11. Last evaluated: 2022-10-25. Review status: criteria provided, single submitter. Criteria: Invitae Variant Classification Sherloc (09022015). Collection method: clinical testing. Allele origin: germline.
Comment: In summary, the available evidence is currently insufficient to determine the role of this variant in disease. Therefore, it has been classified as a Variant of Uncertain Significance. Variants that disrupt the consensus splice site are a relatively common cause of aberrant splicing (PMID: 17576681, 9536098). Algorithms developed to predict the effect of sequence changes on RNA splicing suggest that this variant may disrupt the consensus splice site. ClinVar contains an entry for this variant (Variation ID: 862293). This variant has been observed in at least one individual who was not affected with SCN2A-related conditions (Invitae). This variant has not been reported in the literature in individuals affected with SCN2A-related conditions. This variant is not present in population databases (gnomAD no frequency). This sequence change falls in intron 24 of the SCN2A gene. It does not directly change the encoded amino acid sequence of the SCN2A protein. It affects a nucleotide within the consensus splice site.

Literature cited by the submitters: PubMed 17576681; PubMed 9536098.